The following is an entry in ClinVar:

NM_000550.3(TYRP1):c.114T>A (p.Ser38Arg)

Gene: TYRP1 (tyrosinase related protein 1; plus strand). Cytogenetic location: 9p23.
Variant type: single nucleotide variant.
Coding change: c.114T>A on transcript NM_000550.3 (MANE Select); coding-DNA position 114, T replaced by A.
Protein change: p.Ser38Arg; replaces serine 38 with arginine.
Molecular consequence: missense variant.
Genome position (GRCh38, 1-based): chr9:12,694,110, T>A. VCF-style: chr9-12694110-T-A. GRCh37 (hg19) VCF-style: chr9-12694110-T-A.
Other names: short protein forms S38R.
Identifiers: ClinVar variation 914001 (VCV000914001.7), dbSNP rs749542038, ClinGen allele CA4985113.

ClinVar aggregate classification (germline): Uncertain significance. Review status: criteria provided, multiple submitters, no conflicts (2 of 4 stars). 3 submissions from 3 submitters: Uncertain significance (3). Last evaluated 2025-04-25.

Conditions:
Inborn genetic diseases. Identifiers: MedGen C0950123, MeSH D030342.
Oculocutaneous albinism type 3 (OCA3). Also called: Rufous OCA; Rufous albinism; ALBINISM III; RUFOUS OCULOCUTANEOUS ALBINISM; XANTHISM; Albinism, oculocutaneous, type III. Identifiers: Orphanet 79433, MedGen C0342683, MONDO:0008747, OMIM 203290.

Allele frequency attached by ClinVar (database versions not stated): gnomAD 0.00006 and 0.00007; TOPMed 0.00011.
gnomAD v4.1: 42 of 1,613,900 alleles (0.0026%); highest among the groups gnomAD compares: Middle Eastern, 0.049%; 1 homozygote.

Submissions (3):

Ambry Genetics
Classification: Uncertain significance for Inborn genetic diseases. Last evaluated: 2025-04-25. Review status: criteria provided, single submitter. Criteria: Ambry Variant Classification Scheme 2023. Collection method: clinical testing. Allele origin: germline.

Labcorp Genetics (formerly Invitae), Labcorp
Classification: Uncertain significance. Last evaluated: 2022-10-24. Review status: criteria provided, single submitter. Criteria: Invitae Variant Classification Sherloc (09022015). Collection method: clinical testing. Allele origin: germline.
Comment: This sequence change replaces serine, which is neutral and polar, with arginine, which is basic and polar, at codon 38 of the TYRP1 protein (p.Ser38Arg). This variant is present in population databases (rs749542038, gnomAD 0.04%). This variant has not been reported in the literature in individuals affected with TYRP1-related conditions. ClinVar contains an entry for this variant (Variation ID: 914001). Advanced modeling of protein sequence and biophysical properties (such as structural, functional, and spatial information, amino acid conservation, physicochemical variation, residue mobility, and thermodynamic stability) performed at Invitae indicates that this missense variant is not expected to disrupt TYRP1 protein function. Algorithms developed to predict the effect of sequence changes on RNA splicing suggest that this variant may create or strengthen a splice site. In summary, the available evidence is currently insufficient to determine the role of this variant in disease. Therefore, it has been classified as a Variant of Uncertain Significance.

Illumina Laboratory Services, Illumina
Classification: Uncertain significance for Oculocutaneous albinism type 3. Last evaluated: 2018-01-12. Review status: criteria provided, single submitter. Criteria: ICSL Variant Classification Criteria 13 December 2019. Collection method: clinical testing. Allele origin: germline.